The following is an entry in ClinVar:

ClinVar aggregate classification (germline): Uncertain significance (1 of 4 stars; one submission).

Allele frequency attached by ClinVar (database versions not stated): gnomAD exomes 0.00001; TOPMed below 0.00001; ExAC 0.00001.

Submission:

Labcorp Genetics (formerly Invitae), Labcorp
Classification: Uncertain significance. Last evaluated: 2021-09-01. Review status: criteria provided, single submitter. Criteria: Invitae Variant Classification Sherloc (09022015). Collection method: clinical testing. Allele origin: germline.
Comment: This sequence change replaces isoleucine with methionine at codon 3279 of the ADGRV1 protein (p.Ile3279Met). The isoleucine residue is weakly conserved and there is a small physicochemical difference between isoleucine and methionine. This variant is present in population databases (rs779237155, ExAC 0.002%). This variant has not been reported in the literature in individuals affected with ADGRV1-related conditions. Algorithms developed to predict the effect of missense changes on protein structure and function (SIFT, PolyPhen-2, Align-GVGD) all suggest that this variant is likely to be tolerated. Algorithms developed to predict the effect of sequence changes on RNA splicing suggest that this variant may create or strengthen a splice site. In summary, the available evidence is currently insufficient to determine the role of this variant in disease. Therefore, it has been classified as a Variant of Uncertain Significance.

NM_032119.4(ADGRV1):c.9837A>G (p.Ile3279Met)

Gene: ADGRV1 (adhesion G protein-coupled receptor V1; plus strand). Cytogenetic location: 5q14.3.
Variant type: single nucleotide variant.
Coding change: c.9837A>G on transcript NM_032119.4 (MANE Select); coding-DNA position 9837, A replaced by G.
Protein change: p.Ile3279Met; replaces isoleucine 3279 with methionine.
Molecular consequence: missense variant. On other transcripts: non-coding transcript variant (1).
Genome position (GRCh38, 1-based): chr5:90,724,920, A>G. VCF-style: chr5-90724920-A-G. GRCh37 (hg19) VCF-style: chr5-90020737-A-G.
Other names: short protein forms I3279M.
Identifiers: ClinVar variation 1042581 (VCV001042581.6), dbSNP rs779237155, ClinGen allele CA3340603.